The following is an entry in ClinVar:

ClinVar aggregate classification (germline): Likely benign. Review status: criteria provided, single submitter (1 of 4 stars). 2 submissions from 2 submitters: Likely benign (1). 1 of the submissions does not count toward it. Last evaluated 2024-10-01.

Conditions:
CAPN12-related disorder. Also called: CAPN12-related condition.

Allele frequency attached by ClinVar (database versions not stated): 1000 Genomes Project 30x 0.00141; 1000 Genomes Project 0.00160; ESP Exome Variant Server 0.00733.
gnomAD v4.1: 12,073 of 1,612,470 alleles (0.75%); highest among the groups gnomAD compares: Non-Finnish European, 0.92%; 76 homozygotes.

Submissions (2):

CeGaT Center for Human Genetics Tuebingen
Classification: Likely benign. Last evaluated: 2024-10-01. Review status: criteria provided, single submitter. Criteria: CeGaT Center For Human Genetics Tuebingen Variant Classification Criteria Version 2. Collection method: clinical testing. Allele origin: germline. Affected: yes. Observed: 1 variant allele.
Comment: CAPN12: BS2

PreventionGenetics, part of Exact Sciences
Classification: Benign for CAPN12-related condition. Last evaluated: 2019-07-04. Review status: no assertion criteria provided. Collection method: clinical testing. Allele origin: germline. Not counted in ClinVar's aggregate classification.
Comment: This variant is classified as benign based on ACMG/AMP sequence variant interpretation guidelines (Richards et al. 2015 PMID: 25741868, with internal and published modifications).

NM_144691.4(CAPN12):c.1051G>T (p.Gly351Trp)

Gene: CAPN12 (calpain 12; minus strand). Cytogenetic location: 19q13.2.
Variant type: single nucleotide variant.
Coding change: c.1051G>T on transcript NM_144691.4 (MANE Select); coding-DNA position 1051, G replaced by T.
Protein change: p.Gly351Trp; replaces glycine 351 with tryptophan.
Molecular consequence: missense variant.
Genome position (GRCh38, 1-based): chr19:38,737,553, C>A on the plus strand (G>T on the coding strand, the complement: CAPN12 is on the minus strand). VCF-style: chr19-38737553-C-A. GRCh37 (hg19) VCF-style: chr19-39228193-C-A.
Other names: short protein forms G351W.
Identifiers: ClinVar variation 3044822 (VCV003044822.16), dbSNP rs141065284, ClinGen allele CA9418902.